The following is an entry in ClinVar:

ClinVar aggregate classification (germline): Uncertain significance. Review status: criteria provided, multiple submitters, no conflicts (2 of 4 stars). 3 submissions from 3 submitters: Uncertain significance (3). Last evaluated 2024-11-18.

Conditions:
Inborn genetic diseases. Identifiers: MedGen C0950123, MeSH D030342.

gnomAD v4.1: 3 of 1,614,116 alleles (0.00019%); highest among the groups gnomAD compares: Non-Finnish European, 0.00017%; no homozygotes.

Submissions (3):

Labcorp Genetics (formerly Invitae), Labcorp
Classification: Uncertain significance. Last evaluated: 2024-11-18. Review status: criteria provided, single submitter. Criteria: Invitae Variant Classification Sherloc (09022015). Collection method: clinical testing. Allele origin: germline.
Comment: This sequence change replaces arginine, which is basic and polar, with isoleucine, which is neutral and non-polar, at codon 697 of the KCNQ5 protein (p.Arg697Ile). This variant is not present in population databases (gnomAD no frequency). This variant has not been reported in the literature in individuals affected with KCNQ5-related conditions. ClinVar contains an entry for this variant (Variation ID: 1723059). An algorithm developed to predict the effect of missense changes on protein structure and function (PolyPhen-2) suggests that this variant is likely to be disruptive. In summary, the available evidence is currently insufficient to determine the role of this variant in disease. Therefore, it has been classified as a Variant of Uncertain Significance.

Ambry Genetics
Classification: Uncertain significance for Inborn genetic diseases. Last evaluated: 2023-12-26. Review status: criteria provided, single submitter. Criteria: Ambry Variant Classification Scheme 2023. Collection method: clinical testing. Allele origin: germline.

GeneDx
Classification: Uncertain significance. Last evaluated: 2023-01-18. Review status: criteria provided, single submitter. Criteria: GeneDx Variant Classification Process June 2021. Collection method: clinical testing. Allele origin: germline. Affected: yes.
Comment: Not observed at significant frequency in large population cohorts (gnomAD); In silico analysis supports that this missense variant has a deleterious effect on protein structure/function; Has not been previously published as pathogenic or benign to our knowledge

NM_019842.4(KCNQ5):c.2033G>T (p.Arg678Ile)

Gene: KCNQ5 (potassium voltage-gated channel subfamily Q member 5; plus strand). Cytogenetic location: 6q13.
Variant type: single nucleotide variant.
Coding change: c.2033G>T on transcript NM_019842.4 (MANE Select); coding-DNA position 2033, G replaced by T.
Protein change: p.Arg678Ile; replaces arginine 678 with isoleucine.
Molecular consequence: missense variant.
Genome position (GRCh38, 1-based): chr6:73,194,648, G>T. VCF-style: chr6-73194648-G-T. GRCh37 (hg19) VCF-style: chr6-73904371-G-T.
Other names: c.2006G>T, p.Arg669Ile (NM_001160130.2); c.2063G>T, p.Arg688Ile (NM_001160132.2); c.2090G>T, p.Arg697Ile (NM_001160133.2); c.1703G>T, p.Arg568Ile (NM_001160134.2); short protein forms R568I, R669I, R678I, R688I, R697I.
Identifiers: ClinVar variation 1723059 (VCV001723059.6), dbSNP rs1444813030, ClinGen allele CA364695027.